The following is an entry in ClinVar:

NM_000744.7(CHRNA4):c.1354C>T (p.Pro452Ser)

Gene: CHRNA4 (cholinergic receptor nicotinic alpha 4 subunit; minus strand). Cytogenetic location: 20q13.33.
Variant type: single nucleotide variant.
Coding change: c.1354C>T on transcript NM_000744.7 (MANE Select); coding-DNA position 1354, C replaced by T.
Protein change: p.Pro452Ser; replaces proline 452 with serine.
Molecular consequence: missense variant. On other transcripts: non-coding transcript variant (1).
Genome position (GRCh38, 1-based): chr20:63,350,057, G>A on the plus strand (C>T on the coding strand, the complement: CHRNA4 is on the minus strand). VCF-style: chr20-63350057-G-A. GRCh37 (hg19) VCF-style: chr20-61981409-G-A.
Other names: c.826C>T, p.Pro276Ser (NM_001256573.2); c.1354C>T (NM_000744.6); short protein forms P452S, P276S.
Identifiers: ClinVar variation 432328 (VCV000432328.15), dbSNP rs199914663, ClinGen allele CA9957607.

ClinVar aggregate classification (germline): Uncertain significance. Review status: criteria provided, multiple submitters, no conflicts (2 of 4 stars). 3 submissions from 3 submitters: Uncertain significance (3). Last evaluated 2024-01-08.

Conditions:
Familial sleep-related hypermotor epilepsy. Also called: Autosomal Dominant Sleep-Related Hypermotor (Hyperkinetic) Epilepsy. Identifiers: Orphanet 98784, MedGen C3696898, MONDO:0000030.
Autosomal dominant nocturnal frontal lobe epilepsy 1. Also called: CHRNA4-Related Nocturnal Frontal Lobe Epilepsy, Autosomal Dominant; EPILEPSY, NOCTURNAL FRONTAL LOBE, TYPE 1. Identifiers: Orphanet 98784, MedGen C1838049, MONDO:0010899, OMIM 600513.

Allele frequency attached by ClinVar (database versions not stated): gnomAD exomes 0.00001; ExAC 0.00005; TOPMed 0.00001.
gnomAD v4.1: 8 of 1,511,996 alleles (0.00053%); highest among the groups gnomAD compares: South Asian, 0.004%; no homozygotes.

Submissions (3):

Revvity Omics, Revvity
Classification: Uncertain significance for Autosomal dominant nocturnal frontal lobe epilepsy 1. Last evaluated: 2024-01-08. Review status: criteria provided, single submitter. Criteria: ACMG Guidelines, 2015. Collection method: clinical testing. Allele origin: germline.

Labcorp Genetics (formerly Invitae), Labcorp
Classification: Uncertain significance. Last evaluated: 2023-06-11. Review status: criteria provided, single submitter. Criteria: Invitae Variant Classification Sherloc (09022015). Collection method: clinical testing. Allele origin: germline.
Comment: In summary, the available evidence is currently insufficient to determine the role of this variant in disease. Therefore, it has been classified as a Variant of Uncertain Significance. Advanced modeling of protein sequence and biophysical properties (such as structural, functional, and spatial information, amino acid conservation, physicochemical variation, residue mobility, and thermodynamic stability) performed at Invitae indicates that this missense variant is not expected to disrupt CHRNA4 protein function. ClinVar contains an entry for this variant (Variation ID: 432328). This variant has not been reported in the literature in individuals affected with CHRNA4-related conditions. The frequency data for this variant in the population databases is considered unreliable, as metrics indicate poor data quality at this position in the gnomAD database. This sequence change replaces proline, which is neutral and non-polar, with serine, which is neutral and polar, at codon 452 of the CHRNA4 protein (p.Pro452Ser).

GeneDx
Classification: Uncertain significance. Last evaluated: 2022-10-31. Review status: criteria provided, single submitter. Criteria: GeneDx Variant Classification Process June 2021. Collection method: clinical testing. Allele origin: germline. Affected: yes.
Comment: Not observed at significant frequency in large population cohorts (gnomAD); In silico analysis supports that this missense variant does not alter protein structure/function; Has not been previously reported as pathogenic or benign in association with neurodevelopmental disorders to our knowledge; This variant is associated with the following publications: (PMID: 14645658, 21683344)